The following is an entry in ClinVar:

ClinVar aggregate classification (germline): Likely benign. Review status: criteria provided, multiple submitters, no conflicts (2 of 4 stars). 4 submissions from 4 submitters: Likely benign (4). Last evaluated 2026-01-01.

Allele frequency attached by ClinVar (database versions not stated): gnomAD 0.00002 and 0.00003; gnomAD exomes 0.00003 and 0.00007; TOPMed 0.00003; ExAC 0.00009.
gnomAD v4.1: 107 of 1,546,324 alleles (0.0069%); highest among the groups gnomAD compares: Non-Finnish European, 0.0089%; no homozygotes.

Submissions (4):

CeGaT Center for Human Genetics Tuebingen
Classification: Likely benign. Last evaluated: 2026-01-01. Review status: criteria provided, single submitter. Criteria: CeGaT Center For Human Genetics Tuebingen Variant Classification Criteria Version 2. Collection method: clinical testing. Allele origin: germline. Affected: yes. Observed: 4 variant alleles.
Comment: NOTCH3: BP4, BP7

Labcorp Genetics (formerly Invitae), Labcorp
Classification: Likely benign. Last evaluated: 2025-04-14. Review status: criteria provided, single submitter. Criteria: Invitae Variant Classification Sherloc (09022015). Collection method: clinical testing. Allele origin: germline.

Athena Diagnostics
Classification: Likely benign. Last evaluated: 2024-03-28. Review status: criteria provided, single submitter. Criteria: Athena Diagnostics Criteria. Collection method: clinical testing. Allele origin: unknown.

Blueprint Genetics
Classification: Likely benign. Last evaluated: 2023-09-22. Review status: criteria provided, single submitter. Criteria: ACMG Guidelines, 2015. Collection method: clinical testing. Allele origin: germline.

NM_000435.3(NOTCH3):c.6411G>A (p.Leu2137=)

Gene: NOTCH3 (notch receptor 3; minus strand). Cytogenetic location: 19p13.12.
Variant type: single nucleotide variant.
Coding change: c.6411G>A on transcript NM_000435.3 (MANE Select); coding-DNA position 6411, G replaced by A.
Protein change: p.Leu2137=; no amino-acid change (leucine 2137 retained).
Molecular consequence: synonymous variant.
Genome position (GRCh38, 1-based): chr19:15,161,217, C>T on the plus strand (G>A on the coding strand, the complement: NOTCH3 is on the minus strand). VCF-style: chr19-15161217-C-T. GRCh37 (hg19) VCF-style: chr19-15272028-C-T.
Identifiers: ClinVar variation 1256538 (VCV001256538.36), dbSNP rs770123435, ClinGen allele CA9262373.